The following is an entry in ClinVar:

NM_000170.3(GLDC):c.2815G>C (p.Asp939His)

Gene: GLDC (glycine decarboxylase; minus strand). Cytogenetic location: 9p24.1.
Variant type: single nucleotide variant.
Coding change: c.2815G>C on transcript NM_000170.3 (MANE Select); coding-DNA position 2815, G replaced by C.
Protein change: p.Asp939His; replaces aspartic acid 939 with histidine.
Molecular consequence: missense variant.
Genome position (GRCh38, 1-based): chr9:6,536,087, C>G on the plus strand (G>C on the coding strand, the complement: GLDC is on the minus strand). VCF-style: chr9-6536087-C-G. GRCh37 (hg19) VCF-style: chr9-6536087-C-G.
Other names: short protein forms D939H.
Identifiers: ClinVar variation 3698458 (VCV003698458.2).
Genomic context (GRCh38, chr9:6,536,087, plus strand): 5'-AAGGAACATTTCAAGCAATGTTCCAGGGCCTACGCACCTTCAGCGGATTGACCCTGGGGT[C>G]GATGCGGCCCTCCTCAATGTCAGCAATTTCCTGCCGAATGCTGATCATGGCATCACAGAA-3'
Protein context (NP_000161.2, residues 929-949): EIADIEEGRI[Asp939His]PRVNPLKMSP

ClinVar aggregate classification (germline): Uncertain significance (1 of 4 stars; one submission).

Conditions:
Glycine encephalopathy. Also called: Nonketotic hyperglycinemia; Non-ketotic hyperglycinemia. Identifiers: Orphanet 407, MedGen C0751748, MONDO:0011612, HP:0008288.

gnomAD v4.1: 1 of 1,613,818 alleles (0.000062%); highest among the groups gnomAD compares: Non-Finnish European, 0.000085%; no homozygotes.

Submission:

Labcorp Genetics (formerly Invitae), Labcorp
Classification: Uncertain significance for Glycine encephalopathy. Last evaluated: 2024-08-16. Review status: criteria provided, single submitter. Criteria: Invitae Variant Classification Sherloc (09022015). Collection method: clinical testing. Allele origin: germline.
Comment: This sequence change replaces aspartic acid, which is acidic and polar, with histidine, which is basic and polar, at codon 939 of the GLDC protein (p.Asp939His). This variant is not present in population databases (gnomAD no frequency). This variant has not been reported in the literature in individuals affected with GLDC-related conditions. Invitae Evidence Modeling of protein sequence and biophysical properties (such as structural, functional, and spatial information, amino acid conservation, physicochemical variation, residue mobility, and thermodynamic stability) indicates that this missense variant is not expected to disrupt GLDC protein function with a negative predictive value of 80%. In summary, the available evidence is currently insufficient to determine the role of this variant in disease. Therefore, it has been classified as a Variant of Uncertain Significance.